The following is an entry in ClinVar:

NM_138694.4(PKHD1):c.3995G>A (p.Gly1332Glu)

Gene: PKHD1 (PKHD1 ciliary IPT domain containing fibrocystin/polyductin; minus strand). Cytogenetic location: 6p12.2.
Variant type: single nucleotide variant.
Coding change: c.3995G>A on transcript NM_138694.4 (MANE Select); coding-DNA position 3995, G replaced by A.
Protein change: p.Gly1332Glu; replaces glycine 1332 with glutamic acid.
Molecular consequence: missense variant.
Genome position (GRCh38, 1-based): chr6:52,025,815, C>T on the plus strand (G>A on the coding strand, the complement: PKHD1 is on the minus strand). VCF-style: chr6-52025815-C-T. GRCh37 (hg19) VCF-style: chr6-51890613-C-T.
Other names: c.3995G>A, p.Gly1332Glu (NM_170724.3); short protein forms G1332E.
Identifiers: ClinVar variation 3419301 (VCV003419301.3).

ClinVar aggregate classification (germline): Uncertain significance. Review status: criteria provided, multiple submitters, no conflicts (2 of 4 stars). 3 submissions from 3 submitters: Uncertain significance (3). Last evaluated 2025-04-16.

Conditions:
PKHD1-related disorder. Also called: PKHD1-related condition.
Inborn genetic diseases. Identifiers: MedGen C0950123, MeSH D030342.
Polycystic kidney disease 4 (PKD4). Also called: PKD3; POLYCYSTIC KIDNEY AND HEPATIC DISEASE 1; POLYCYSTIC KIDNEY DISEASE, INFANTILE, TYPE I; POLYCYSTIC KIDNEY DISEASE 4 WITH OR WITHOUT POLYCYSTIC LIVER DISEASE; Autosomal Recessive Polycystic Kidney Disease – PKHD1. Identifiers: MedGen C4540575, MONDO:0033004, OMIM 263200.

gnomAD v4.1: 8 of 1,614,134 alleles (0.0005%); highest among the groups gnomAD compares: Admixed American, 0.013%; no homozygotes.

Submissions (3):

PreventionGenetics, part of Exact Sciences
Classification: Uncertain significance for PKHD1-related condition. Last evaluated: 2025-04-16. Review status: criteria provided, single submitter. Criteria: ACMG Guidelines, 2015. Collection method: clinical testing. Allele origin: germline.
Comment: The PKHD1 c.3995G>A variant is predicted to result in the amino acid substitution p.Gly1332Glu. To our knowledge, this variant has not been reported in the literature. This variant is reported in 0.017% of alleles in individuals of Latino descent in gnomAD. At this time, the clinical significance of this variant is uncertain due to the absence of conclusive functional and genetic evidence.

Ambry Genetics
Classification: Uncertain significance for Inborn genetic diseases. Last evaluated: 2024-10-08. Review status: criteria provided, single submitter. Criteria: Ambry Variant Classification Scheme 2023. Collection method: clinical testing. Allele origin: germline.

Fulgent Genetics
Classification: Uncertain significance for Polycystic kidney disease 4. Last evaluated: 2024-01-16. Review status: criteria provided, single submitter. Criteria: ACMG Guidelines, 2015. Collection method: clinical testing. Allele origin: germline.